The following is an entry in ClinVar:

NM_001377.3(DYNC2H1):c.1906_1907del (p.Arg636fs)

Gene: DYNC2H1 (dynein cytoplasmic 2 heavy chain 1; plus strand). Cytogenetic location: 11q22.3.
Variant type: Microsatellite.
Coding change: c.1906_1907del on transcript NM_001377.3 (MANE Select); coding-DNA positions 1906 to 1907, 2 bases deleted (AG; older notation c.1906_1907delAG).
Protein change: p.Arg636fs; shifts the reading frame from arginine 636.
Molecular consequence: frameshift variant.
Genome position (GRCh38, 1-based): chr11:103,128,958-103,128,959, AG deleted; deleting any 2 consecutive bases within chr11:103,128,956-103,128,959 gives the same sequence; the c. name uses the placement nearest the transcript's 3' end. VCF-style (leftmost placement, unchanged base first): chr11-103128955-CAG-C. GRCh37 (hg19) VCF-style: chr11-102999684-CAG-C.
Other names: c.1906_1907del, p.Arg636fs (NM_001080463.2); short protein forms R636fs.
Identifiers: ClinVar variation 4081637 (VCV004081637.1).

ClinVar aggregate classification (germline): Pathogenic (1 of 4 stars; one submission).

Conditions:
Asphyxiating thoracic dystrophy 3. Also called: SHORT-RIB THORACIC DYSPLASIA 3 WITH OR WITHOUT POLYDACTYLY; SHORT-RIB THORACIC DYSPLASIA 3/6 WITH POLYDACTYLY, DIGENIC; POLYDACTYLY WITH NEONATAL CHONDRODYSTROPHY, TYPE I; Short rib polydactyly syndrome 2B; Saldino-Noonan Syndrome. Identifiers: Orphanet 474, Orphanet 93269, Orphanet 93270, Orphanet 93271, MedGen C0036069, MONDO:0013127, OMIM 613091.

Submission:

Myriad Genetics, Inc.
Classification: Pathogenic for Asphyxiating thoracic dystrophy 3. Last evaluated: 2025-06-04. Review status: criteria provided, single submitter. Criteria: Myriad Autosomal Dominant, Autosomal Recessive and X-Linked Classification Criteria (2023). Collection method: clinical testing. Allele origin: unknown.
Comment: NM_001377.2(DYNC2H1):c.1906_1907delAG(R636Afs*11) is a frameshift variant classified as pathogenic in the context of DYNC2H1-related disorders. R636Afs*11 has not been observed in cases with relevant disease. Relevant functional assessments of this variant are not available in the literature. R636Afs*11 has not been observed in referenced population frequency databases. In summary, NM_001377.2(DYNC2H1):c.1906_1907delAG(R636Afs*11) is a frameshift variant in a gene where loss of function is a known mechanism of disease and is predicted to disrupt protein function. Please note: this variant was assessed in the context of healthy population screening.